The following is an entry in ClinVar:

NM_003803.4(MYOM1):c.64_65insATCTCAGCTACCGCAACAAGGACC (p.Val22delinsAspLeuSerTyrArgAsnLysAspLeu)

Gene: MYOM1 (myomesin 1; minus strand). Cytogenetic location: 18p11.31.
Variant type: Insertion.
Coding change: c.64_65insATCTCAGCTACCGCAACAAGGACC on transcript NM_003803.4 (MANE Select); coding-DNA positions 64 to 65, ATCTCAGCTACCGCAACAAGGACC inserted.
Protein change: p.Val22delinsAspLeuSerTyrArgAsnLysAspLeu.
Molecular consequence: inframe indel.
Genome position: GRCh38 VCF-style: chr18-3215159-A-AGGTCCTTGTTGCGGTAGCTGAGAT. GRCh37 (hg19) VCF-style: chr18-3215157-A-AGGTCCTTGTTGCGGTAGCTGAGAT.
Other names: c.64_65insATCTCAGCTACCGCAACAAGGACC, p.Val22delinsAspLeuSerTyrArgAsnLysAspLeu (NM_019856.2).
Identifiers: ClinVar variation 1373487 (VCV001373487.6), dbSNP rs752587435, ClinGen allele CA2573155080.
Genomic context (GRCh38, chr18:3,215,159, plus strand): 5'-CCCTGGGTGTAGACGGCGGAGCGTTTCTTCTCCCGCTGGTAGTGACTCACGGTGCTGCGC[A>AGGTCCTTGTTGCGGTAGCTGAGAT]CGTCCTTGTTGCGGTAGCTGAGATCATAGTGCTGGTGGCACCTCTGATAAAAAGGCAAAG-3'

ClinVar aggregate classification (germline): Uncertain significance (1 of 4 stars; one submission).

Conditions:
Hypertrophic cardiomyopathy. Also called: HYPERTROPHIC MYOCARDIOPATHY. Identifiers: Orphanet 217569, MedGen C0007194, MeSH D002312, MONDO:0005045, HP:0001639.

Submission:

Labcorp Genetics (formerly Invitae), Labcorp
Classification: Uncertain significance for Hypertrophic cardiomyopathy. Last evaluated: 2021-08-20. Review status: criteria provided, single submitter. Criteria: Invitae Variant Classification Sherloc (09022015). Collection method: clinical testing. Allele origin: germline.
Comment: This variant, c.64_65ins24, is a complex sequence change that results in the deletion of 1 amino acid and insertion of 9 amino acid(s) in the MYOM1 protein (p.Val22delins9). This variant is not present in population databases (ExAC no frequency). This variant has not been reported in the literature in individuals affected with MYOM1-related conditions. Experimental studies and prediction algorithms are not available or were not evaluated, and the functional significance of this variant is currently unknown. In summary, the available evidence is currently insufficient to determine the role of this variant in disease. Therefore, it has been classified as a Variant of Uncertain Significance.